The following is an entry in ClinVar:

NM_001698.3(AUH):c.197G>C (p.Gly66Ala)

Genes: AUH (AU RNA binding methylglutaconyl-CoA hydratase; minus strand), LOC130002059 (ATAC-STARR-seq lymphoblastoid silent region 20025; plus strand). Cytogenetic location: 9q22.31.
Variant type: single nucleotide variant.
Coding change: c.197G>C on transcript NM_001698.3 (MANE Select); coding-DNA position 197, G replaced by C.
Protein change: p.Gly66Ala; replaces glycine 66 with alanine.
Molecular consequence: missense variant. On other transcripts: 5 prime UTR variant (3).
Genome position (GRCh38, 1-based): chr9:91,361,693, C>G on the plus strand (G>C on the coding strand, the complement: AUH is on the minus strand). VCF-style: chr9-91361693-C-G. GRCh37 (hg19) VCF-style: chr9-94123975-C-G.
Other names: c.197G>C, p.Gly66Ala (NM_001306190.2); c.-201G>C (NM_001351431.2, NM_001351433.2); c.-293G>C (NM_001351432.2); short protein forms G66A.
Identifiers: ClinVar variation 2418823 (VCV002418823.7), dbSNP rs1323577454, ClinGen allele CA373836313.

ClinVar aggregate classification (germline): Uncertain significance (1 of 4 stars; one submission).

Conditions:
3-methylglutaconic aciduria type 1 (MGCA1). Identifiers: Orphanet 67046, MedGen C0342727, MONDO:0009610, OMIM 250950.

gnomAD v4.1: 1 of 1,567,578 alleles (0.000064%); highest among the groups gnomAD compares: Non-Finnish European, 0.000086%; no homozygotes.

Submission:

Labcorp Genetics (formerly Invitae), Labcorp
Classification: Uncertain significance for 3-methylglutaconic aciduria type 1. Last evaluated: 2022-08-20. Review status: criteria provided, single submitter. Criteria: Invitae Variant Classification Sherloc (09022015). Collection method: clinical testing. Allele origin: germline.
Comment: In summary, the available evidence is currently insufficient to determine the role of this variant in disease. Therefore, it has been classified as a Variant of Uncertain Significance. Algorithms developed to predict the effect of missense changes on protein structure and function (SIFT, PolyPhen-2, Align-GVGD) all suggest that this variant is likely to be tolerated. This variant has not been reported in the literature in individuals affected with AUH-related conditions. This variant is not present in population databases (gnomAD no frequency). This sequence change replaces glycine, which is neutral and non-polar, with alanine, which is neutral and non-polar, at codon 66 of the AUH protein (p.Gly66Ala).